The following continues an entry in ClinVar:

NM_004278.4(PIGL):c.500T>C (p.Leu167Pro)

Gene: PIGL. ClinVar aggregate classification (germline): Pathogenic. Pathogenic (22).

Submissions 11 to 30 of 30:

Women's Health and Genetics/Laboratory Corporation of America, LabCorp
Classification: Pathogenic for CHIME syndrome. Last evaluated: 2022-09-29. Review status: criteria provided, single submitter. Criteria: LabCorp Variant Classification Summary - May 2015. Collection method: clinical testing. Allele origin: germline.
Comment: Variant summary: PIGL c.500T>C (p.Leu167Pro) results in a non-conservative amino acid change in the encoded protein sequence. Five of five in-silico tools predict a damaging effect of the variant on protein function. The variant allele was found at a frequency of 0.00041 in 251422 control chromosomes (gnomAD). c.500T>C has been reported in the literature in multiple compound heterozygous and homozygous individuals affected with CHIME Syndrome (Ng_2012, Murakami_2014). These data indicate that the variant is very likely to be associated with disease. To our knowledge, no experimental evidence demonstrating an impact on protein function has been reported. 12 ClinVar submitters (evaluation after 2014) cite the variant as uncertain significance (n=1) and pathogenic (n=11). Based on the evidence outlined above, the variant was classified as pathogenic.

GeneDx
Classification: Pathogenic. Last evaluated: 2022-04-26. Review status: criteria provided, single submitter. Criteria: GeneDx Variant Classification Process June 2021. Collection method: clinical testing. Allele origin: germline. Affected: yes.
Comment: In silico analysis supports that this missense variant has a deleterious effect on protein structure/function; This variant is associated with the following publications: (PMID: 29473937, 31980526, 22444671, 24784135, 23561846, 28371479, 25250048, 8893234, 7666399, 3041916, 31535386, 31127708)

3billion
Classification: Pathogenic for CHIME syndrome. Last evaluated: 2022-03-22. Review status: criteria provided, single submitter. Criteria: ACMG Guidelines, 2015. Collection method: clinical testing. Allele origin: germline. Affected: yes. Observed: 1 heterozygote.
Comment: Same nucleotide change resulting in same amino acid change has been previously reported as pathogenic/likely pathogenic with strong evidence (ClinVar ID: VCV000030544, PMID:22444671). The variant has been reported to be in trans with a pathogenic variant as either compound heterozygous or homozygous in at least 2 similarly affected unrelated individuals(PMID: 22444671, PM3_S) In silico tool predictions suggest damaging effect of the variant on gene or gene product (REVEL: 0.791>=0.6, 3CNET: 0.856>=0.75).It is observed at an extremely low frequency in the gnomAD v2.1.1 dataset (total allele frequency: 0.0005153). Therefore, this variant is classified as pathogenic according to the recommendation of ACMG/AMP guideline.

Daryl Scott Lab, Baylor College of Medicine
Classification: Pathogenic for CHIME syndrome. Last evaluated: 2022-01-27. Review status: criteria provided, single submitter. Criteria: ACMG Guidelines, 2015. Collection method: clinical testing. Allele origin: paternal. Affected: yes. Observed: 1 variant allele.

Revvity Omics, Revvity
Classification: Pathogenic for CHIME syndrome. Last evaluated: 2021-06-22. Review status: criteria provided, single submitter. Criteria: ACMG Guidelines, 2015. Collection method: clinical testing. Allele origin: germline.

Cambridge Genomics Laboratory, East Genomic Laboratory Hub, NHS Genomic Medicine Service
Classification: Pathogenic for Intellectual disability. Last evaluated: 2020-10-09. Review status: criteria provided, single submitter. Criteria: ACGS Best Practice Guidelines for Variant Classification in Rare Disease 2020. Collection method: clinical testing. Allele origin: germline. Affected: yes. Observed: 1 variant allele.

Illumina Laboratory Services, Illumina
Classification: Pathogenic for CHIME syndrome. Last evaluated: 2017-10-03. Review status: criteria provided, single submitter. Criteria: ICSL Variant Classification Criteria 09 May 2019. Collection method: clinical testing. Allele origin: germline.
Comment: The PIGL c.500T>C (p.Leu167Pro) variant has been reported in a compound heterozygous state with either a frameshift variant, a nonsense variant or a large deletion in six patients with clinical features of coloboma, congenital heart disease, ichthyosiform dermatosis, intellectual disability, and ear anomalies (CHIME) syndrome from five unrelated families (Ng et al. 2012). All evaluated parents and siblings of the patients were found to be heterozygous carriers of the variant. Control data are unavailable for the p.Leu167Pro variant, which is reported at a frequency of 0.00091 in the European (Finnish) population of the Exome Aggregation Consortium. The variant is present in a highly conserved residue in the catalytic domain of the protein. Cell lines derived from a patient who was compound heterozygous for the p.Leu167Pro variant and a chromosome 17 deletion were deficient in two glycosylphosphatidylinositol markers, demonstrating a detrimental functional effect of the variant. Based on the evidence from the literature, the p.Leu167Pro variant is classified as pathogenic for coloboma, congenital heart disease, ichthyosiform dermatosis, intellectual disability, and ear anomalies syndrome. This variant was observed by ICSL as part of a predisposition screen in an ostensibly healthy population.

Fulgent Genetics
Classification: Pathogenic for CHIME syndrome. Last evaluated: 2017-05-18. Review status: criteria provided, single submitter. Criteria: ACMG Guidelines, 2015. Collection method: clinical testing. Allele origin: unknown.

Center for Pediatric Genomic Medicine, Children's Mercy Hospital and Clinics
Classification: Pathogenic. Last evaluated: 2016-10-12. Review status: criteria provided, single submitter. Criteria: ACMG Guidelines, 2015. Collection method: clinical testing. Allele origin: germline.

Eurofins Ntd Llc (ga)
Classification: Pathogenic. Last evaluated: 2014-09-29. Review status: criteria provided, single submitter. Criteria: EGL Classification Definitions 2015. Collection method: clinical testing. Allele origin: germline. Observed: 4 variant alleles, 4 heterozygotes.

Genetic Services Laboratory, University of Chicago
Classification: Pathogenic for CHIME syndrome. Last evaluated: 2014-04-02. Review status: criteria provided, single submitter. Criteria: ACMG Guidelines, 2007. Collection method: clinical testing. Allele origin: germline. Inheritance: Autosomal recessive inheritance. Affected: yes.

Juno Genomics, Hangzhou Juno Genomics, Inc
Classification: Pathogenic for CHIME syndrome. Review status: criteria provided, single submitter. Criteria: ACMG Guidelines, 2015. Collection method: clinical testing. Allele origin: germline.
Comment: Absent from controls (or at extremely low frequency if recessive) in Genome Aggregation Database.;Multiple lines of computational evidence support a deleterious effect on the gene or gene product.;For recessive disorders, detected in trans with a pathogenic variant.

Laboratory of Molecular Genetics, CHU Rennes
Classification: Pathogenic. Last evaluated: 2019-06-17. Review status: no assertion criteria provided. Collection method: clinical testing. Allele origin: germline. Affected: yes. Not counted in ClinVar's aggregate classification.

OMIM
Classification: Pathogenic for COLOBOMA, CONGENITAL HEART DISEASE, ICHTHYOSIFORM DERMATOSIS, IMPAIRED INTELLECTUAL DEVELOPMENT, AND EAR ANOMALIES SYNDROME. Last evaluated: 2012-04-06. Review status: no assertion criteria provided. Collection method: literature only. Allele origin: germline. Not counted in ClinVar's aggregate classification.

Clinical Genetics DNA and cytogenetics Diagnostics Lab, Erasmus MC, Erasmus Medical Center
Classification: Pathogenic. Review status: no assertion criteria provided. Collection method: clinical testing. Allele origin: germline. Affected: yes. Study: VKGL Data-share Consensus. Not counted in ClinVar's aggregate classification.

Diagnostic Laboratory, Department of Genetics, University Medical Center Groningen
Classification: Pathogenic. Review status: no assertion criteria provided. Collection method: clinical testing. Allele origin: germline. Affected: yes. Study: VKGL Data-share Consensus. Not counted in ClinVar's aggregate classification.

Genome Diagnostics Laboratory, University Medical Center Utrecht
Classification: Pathogenic. Review status: no assertion criteria provided. Collection method: clinical testing. Allele origin: germline. Affected: yes. Study: VKGL Data-share Consensus. Not counted in ClinVar's aggregate classification.

Joint Genome Diagnostic Labs from Nijmegen and Maastricht, Radboudumc and MUMC+
Classification: Pathogenic. Review status: no assertion criteria provided. Collection method: clinical testing. Allele origin: germline. Affected: yes. Study: VKGL Data-share Consensus. Not counted in ClinVar's aggregate classification.

Centre for Mendelian Genomics, University Medical Centre Ljubljana
Classification: Uncertain significance for CHIME syndrome. Last evaluated: 2016-01-01. Review status: flagged submission. Criteria: ACMG Guidelines, 2015. Collection method: clinical testing. Allele origin: unknown. Affected: yes. Not counted in ClinVar's aggregate classification.
Comment: This variant was classified as: Uncertain significance.
ClinVar note: Reason: Outlier claim with insufficient supporting evidence

Centre for Mendelian Genomics, University Medical Centre Ljubljana
Classification: Uncertain significance for Bilateral cleft palate; Camptodactyly of finger; Hypertelorism; Low-set ears; Postaxial hand polydactyly; Premature birth; Small scrotum; Wide intermamillary distance. Last evaluated: 2014-04-09. Review status: flagged submission. Criteria: ACMG Guidelines, 2015. Collection method: clinical testing. Allele origin: unknown. Affected: yes. Not counted in ClinVar's aggregate classification.
ClinVar note: Reason: Outlier claim with insufficient supporting evidence

Literature cited by the submitters: PubMed 22444671 (cited by 9 submitters); PubMed 28371479 (cited by 3 submitters); PubMed 29473937 (cited by Ambry Genetics); PubMed 31535386 (cited by Ambry Genetics); PubMed 39641205 (cited by Ambry Genetics); PubMed 24784135 (cited by Women's Health and Genetics/Laboratory Corporation of America, LabCorp); PubMed 35904974 (cited by Daryl Scott Lab, Baylor College of Medicine); PubMed 3041916 (cited by OMIM); PubMed 7666399 (cited by OMIM); PubMed 8893234 (cited by OMIM).